The following is an entry in ClinVar:

ClinVar aggregate classification (germline): Pathogenic (1 of 4 stars; one submission).

Submission:

GeneDx
Classification: Pathogenic. Last evaluated: 2020-12-30. Review status: criteria provided, single submitter. Criteria: GeneDx Variant Classification Process June 2021. Collection method: clinical testing. Allele origin: germline. Affected: yes.
Comment: Has not been previously published as pathogenic or benign to our knowledge; Not observed in large population cohorts (Lek et al., 2016); Frameshift variant predicted to result in protein truncation or nonsense mediated decay in a gene for which loss-of-function is a known mechanism of disease; Located in the A-band region of titin, where the majority of truncating pathogenic variants associated with DCM have been reported (Herman et al., 2012).

NM_001267550.2(TTN):c.97440del (p.Phe32480fs)

Genes: TTN (titin; minus strand), TTN-AS1 (TTN antisense RNA 1; plus strand). Cytogenetic location: 2q31.2.
Variant type: Deletion.
Coding change: c.97440del on transcript NM_001267550.2 (MANE Select); coding-DNA position 97440, one base deleted (C; older notation c.97440delC).
Protein change: p.Phe32480fs; shifts the reading frame from phenylalanine 32480.
Molecular consequence: frameshift variant. On other transcripts: non-coding transcript variant (1).
Genome position (GRCh38, 1-based): chr2:178,542,316, G deleted on the plus strand (C on the coding strand, the reverse complement: TTN is on the minus strand). VCF-style (leftmost placement, unchanged base first): chr2-178542315-CG-C. GRCh37 (hg19) VCF-style: chr2-179407042-CG-C.
Other names: c.92517del, p.Phe30839fs (NM_001256850.1); c.70245del, p.Phe23415fs (NM_003319.4); c.89736del, p.Phe29912fs (NM_133378.4); c.70620del, p.Phe23540fs (NM_133432.3); c.70821del, p.Phe23607fs (NM_133437.4); c.92517delC (NM_001256850.1); short protein forms F23415fs, F23540fs, F23607fs, F29912fs, F30839fs, F32480fs.
Identifiers: ClinVar variation 1203936 (VCV001203936.3), dbSNP rs2154142438, ClinGen allele CA2499215286.
Genomic context (GRCh38, chr2:178,542,315, plus strand): 5'-TGGACTTACGGATGCTGCTGCGACACTCTATGACCTCAGACTGCAAGTAAGAGCCAATCC[CG>C]AAGCGGTTTGTTGCAGCCACACGGAACACATACTCATTTCCTTCGGTGAGTCTGGTAAAC-3'